The following is an entry in ClinVar:

ClinVar aggregate classification (germline): Uncertain significance. Review status: criteria provided, multiple submitters, no conflicts (2 of 4 stars). 3 submissions from 3 submitters: Uncertain significance (3). Last evaluated 2025-05-19.

Conditions:
Fanconi anemia (FA). Also called: Fanconi's anemia. Identifiers: Orphanet 84, MedGen C0015625, MeSH D005199, MONDO:0019391.
Inborn genetic diseases. Identifiers: MedGen C0950123, MeSH D030342.

gnomAD v4.1: 1 of 1,614,030 alleles (0.000062%); highest among the groups gnomAD compares: Non-Finnish European, 0.000085%; no homozygotes.

Submissions (3):

Ambry Genetics
Classification: Uncertain significance for Inborn genetic diseases. Last evaluated: 2025-05-19. Review status: criteria provided, single submitter. Criteria: Ambry Variant Classification Scheme 2023. Collection method: clinical testing. Allele origin: germline.
Comment: The p.A1107T variant (also known as c.3319G>A), located in coding exon 14 of the FANCM gene, results from a G to A substitution at nucleotide position 3319. The alanine at codon 1107 is replaced by threonine, an amino acid with similar properties. This amino acid position is conserved. In addition, this alteration is predicted to be tolerated by in silico analysis. Based on the available evidence, the clinical significance of this variant remains unclear.

Labcorp Genetics (formerly Invitae), Labcorp
Classification: Uncertain significance for Fanconi anemia. Last evaluated: 2023-01-02. Review status: criteria provided, single submitter. Criteria: Invitae Variant Classification Sherloc (09022015). Collection method: clinical testing. Allele origin: germline.
Comment: In summary, the available evidence is currently insufficient to determine the role of this variant in disease. Therefore, it has been classified as a Variant of Uncertain Significance. Algorithms developed to predict the effect of missense changes on protein structure and function output the following: SIFT: "Tolerated"; PolyPhen-2: "Benign"; Align-GVGD: "Class C0". The threonine amino acid residue is found in multiple mammalian species, which suggests that this missense change does not adversely affect protein function. ClinVar contains an entry for this variant (Variation ID: 1401047). This variant has not been reported in the literature in individuals affected with FANCM-related conditions. This variant is not present in population databases (gnomAD no frequency). This sequence change replaces alanine, which is neutral and non-polar, with threonine, which is neutral and polar, at codon 1107 of the FANCM protein (p.Ala1107Thr).

GeneDx
Classification: Uncertain significance. Last evaluated: 2022-10-27. Review status: criteria provided, single submitter. Criteria: GeneDx Variant Classification Process June 2021. Collection method: clinical testing. Allele origin: germline. Affected: yes.
Comment: Not observed at significant frequency in large population cohorts (gnomAD); In silico analysis supports that this missense variant does not alter protein structure/function; Has not been previously published as pathogenic or benign to our knowledge

NM_020937.4(FANCM):c.3319G>A (p.Ala1107Thr)

Gene: FANCM (FA complementation group M; plus strand). Cytogenetic location: 14q21.2.
Variant type: single nucleotide variant.
Coding change: c.3319G>A on transcript NM_020937.4 (MANE Select); coding-DNA position 3319, G replaced by A.
Protein change: p.Ala1107Thr; replaces alanine 1107 with threonine.
Molecular consequence: missense variant.
Genome position (GRCh38, 1-based): chr14:45,176,073, G>A. VCF-style: chr14-45176073-G-A. GRCh37 (hg19) VCF-style: chr14-45645276-G-A.
Other names: c.3241G>A, p.Ala1081Thr (NM_001308133.2); c.3319G>A (NM_020937.2); short protein forms A1081T, A1107T.
Identifiers: ClinVar variation 1401047 (VCV001401047.11), dbSNP rs996666429, ClinGen allele CA389601017.
Genomic context (GRCh38, chr14:45,176,073, plus strand): 5'-AAACATAATCAAAATGAAAATTTAGTACCTAACAATCGTGTTCAAATACACAGAAGCCCT[G>A]CACAGAATTTAGTTGGAGAGAACAATCATGATGTTGATAACAGTGACCTCCCAGTATTGT-3'
Protein context (NP_065988.1, residues 1097-1117): NNRVQIHRSP[Ala1107Thr]QNLVGENNHD